The following is an entry in ClinVar:

NM_001903.5(CTNNA1):c.2462C>T (p.Ala821Val)

Gene: CTNNA1 (catenin alpha 1; plus strand). Cytogenetic location: 5q31.2.
Variant type: single nucleotide variant.
Coding change: c.2462C>T on transcript NM_001903.5 (MANE Select); coding-DNA position 2462, C replaced by T.
Protein change: p.Ala821Val; replaces alanine 821 with valine.
Molecular consequence: missense variant. On other transcripts: 3 prime UTR variant (5).
Genome position (GRCh38, 1-based): chr5:138,933,830, C>T. VCF-style: chr5-138933830-C-T. GRCh37 (hg19) VCF-style: chr5-138269519-C-T.
Other names: c.*7C>T (NM_001290307.3, NM_001324002.1, NM_001324003.1 and 2 more transcripts); c.2153C>T, p.Ala718Val (NM_001290309.3); c.2093C>T, p.Ala698Val (NM_001290310.3); c.1352C>T, p.Ala451Val (NM_001290312.1, NM_001323987.1, NM_001323988.1 and 12 more transcripts); c.2462C>T, p.Ala821Val (NM_001323982.2, NM_001323983.1, NM_001323984.2); c.2435C>T, p.Ala812Val (NM_001323985.2); c.2369C>T, p.Ala790Val (NM_001323986.2); c.1217C>T, p.Ala406Val (NM_001324001.1); and 3 more; short protein forms A338V, A451V, A718V, A812V, A370V, A406V, A420V, A790V.
Identifiers: ClinVar variation 1791650 (VCV001791650.2), dbSNP rs2150358446, ClinGen allele CA361135042.

ClinVar aggregate classification (germline): Uncertain significance (1 of 4 stars; one submission).

Conditions:
Hereditary cancer-predisposing syndrome. Also called: Hereditary Cancer Syndrome; Hereditary neoplastic syndrome; Tumor predisposition; Neoplastic Syndromes, Hereditary. Identifiers: Orphanet 140162, MedGen C0027672, MeSH D009386, MONDO:0015356.

Submission:

Ambry Genetics
Classification: Uncertain significance for Hereditary cancer-predisposing syndrome. Last evaluated: 2021-09-20. Review status: criteria provided, single submitter. Criteria: Ambry Variant Classification Scheme 2023. Collection method: clinical testing. Allele origin: germline.
Comment: The p.A821V variant (also known as c.2462C>T), located in coding exon 17 of the CTNNA1 gene, results from a C to T substitution at nucleotide position 2462. The alanine at codon 821 is replaced by valine, an amino acid with similar properties. This amino acid position is conserved. In addition, the in silico prediction for this alteration is inconclusive. Since supporting evidence is limited at this time, the clinical significance of this alteration remains unclear.